The following is an entry in ClinVar:

NM_001035.3(RYR2):c.6139C>A (p.Pro2047Thr)

Gene: RYR2 (ryanodine receptor 2; plus strand). Cytogenetic location: 1q43.
Variant type: single nucleotide variant.
Coding change: c.6139C>A on transcript NM_001035.3 (MANE Select); coding-DNA position 6139, C replaced by A.
Protein change: p.Pro2047Thr; replaces proline 2047 with threonine.
Molecular consequence: missense variant.
Genome position (GRCh38, 1-based): chr1:237,625,777, C>A. VCF-style: chr1-237625777-C-A. GRCh37 (hg19) VCF-style: chr1-237789077-C-A.
Other names: short protein forms P2047T.
Identifiers: ClinVar variation 4737645 (VCV004737645.1).

ClinVar aggregate classification (germline): Uncertain significance (1 of 4 stars; one submission).

Conditions:
Catecholaminergic polymorphic ventricular tachycardia 1. Also called: VENTRICULAR TACHYCARDIA, CATECHOLAMINERGIC POLYMORPHIC, 1, WITH OR WITHOUT ATRIAL DYSFUNCTION AND/OR DILATED CARDIOMYOPATHY; RYR2-Related Catecholaminergic Polymorphic Ventricular Tachycardia; VENTRICULAR TACHYCARDIA, STRESS-INDUCED POLYMORPHIC 1. Identifiers: Orphanet 3286, MedGen C1631597, MONDO:0011484, OMIM 604772.

gnomAD v4.1: 3 of 1,613,526 alleles (0.00019%); highest among the groups gnomAD compares: Non-Finnish European, 0.00025%; no homozygotes.

Submission:

Labcorp Genetics (formerly Invitae), Labcorp
Classification: Uncertain significance for Catecholaminergic polymorphic ventricular tachycardia 1. Last evaluated: 2025-11-05. Review status: criteria provided, single submitter. Criteria: Invitae Variant Classification Sherloc (09022015). Collection method: clinical testing. Allele origin: germline.
Comment: This sequence change replaces proline, which is neutral and non-polar, with threonine, which is neutral and polar, at codon 2047 of the RYR2 protein (p.Pro2047Thr). This variant is not present in population databases (gnomAD no frequency). This variant has not been reported in the literature in individuals affected with RYR2-related conditions. Invitae Evidence Modeling of protein sequence and biophysical properties (such as structural, functional, and spatial information, amino acid conservation, physicochemical variation, residue mobility, and thermodynamic stability) indicates that this missense variant is not expected to disrupt RYR2 protein function with a negative predictive value of 95%. In summary, the available evidence is currently insufficient to determine the role of this variant in disease. Therefore, it has been classified as a Variant of Uncertain Significance.